The following is an entry in ClinVar:

ClinVar aggregate classification (germline): Uncertain significance (1 of 4 stars; one submission).

Conditions:
Cardiovascular phenotype. Identifiers: MedGen CN230736.

gnomAD v4.1: 1 of 1,614,220 alleles (0.000062%); highest among the groups gnomAD compares: Non-Finnish European, 0.000085%; no homozygotes.

Submission:

Ambry Genetics
Classification: Uncertain significance for Cardiovascular phenotype. Last evaluated: 2025-07-12. Review status: criteria provided, single submitter. Criteria: Ambry Variant Classification Scheme 2023. Collection method: clinical testing. Allele origin: germline.
Comment: The p.M2057I variant (also known as c.6171G>T), located in coding exon 45 of the ABCA1 gene, results from a G to T substitution at nucleotide position 6171. The methionine at codon 2057 is replaced by isoleucine, an amino acid with highly similar properties. This amino acid position is conserved. In addition, this alteration is predicted to be tolerated by in silico analysis. Based on the available evidence, the clinical significance of this variant remains unclear.

NM_005502.4(ABCA1):c.6171G>T (p.Met2057Ile)

Genes: ABCA1 (ATP binding cassette subfamily A member 1; minus strand), NIPSNAP3B (nipsnap homolog 3B; plus strand). Cytogenetic location: 9q31.1.
Variant type: single nucleotide variant.
Coding change: c.6171G>T on transcript NM_005502.4 (MANE Select); coding-DNA position 6171, G replaced by T.
Protein change: p.Met2057Ile; replaces methionine 2057 with isoleucine.
Molecular consequence: missense variant.
Genome position (GRCh38, 1-based): chr9:104,787,953, C>A on the plus strand (G>T on the coding strand, the complement: ABCA1 is on the minus strand). VCF-style: chr9-104787953-C-A. GRCh37 (hg19) VCF-style: chr9-107550234-C-A.
Other names: short protein forms M2057I.
Identifiers: ClinVar variation 4234184 (VCV004234184.1).